The following is an entry in ClinVar:

NM_018406.7(MUC4):c.7264C>T (p.Leu2422Phe)

Gene: MUC4 (mucin 4, cell surface associated). Cytogenetic location: 3q29.
Variant type: single nucleotide variant.
Coding change: c.7264C>T on transcript NM_018406.7 (MANE Select); coding-DNA position 7264, C replaced by T.
Protein change: p.Leu2422Phe; replaces leucine 2422 with phenylalanine.
Molecular consequence: missense variant. On other transcripts: intron variant (2).
Genome position (GRCh38, 1-based): chr3:195,784,316, G>A on the plus strand (C>T on the coding strand, the complement: MUC4 is on the minus strand). VCF-style: chr3-195784316-G-A. GRCh37 (hg19) VCF-style: chr3-195511187-G-A.
Other names: c.83-10011C>T (NM_138297.5); c.83-5861C>T (NM_004532.6); short protein forms L2422F.
Identifiers: ClinVar variation 4533723 (VCV004533723.6).
Genomic context (GRCh38, chr3:195,784,316, plus strand): 5'-ATGCCGAGGAAACGTTGGTGACAGGAAGACGGGTGGTGTCACCTGTGGAAGCTGAGGAAA[G>A]GCCGGTGACAGGAAGATGGGTGGCGTGACCTGTGGATGCTGAGGAAGTGTCGGTGACAGG-3'
Protein context (NP_060876.5, residues 2412-2432): GHATHLPVTG[Leu2422Phe]SSASTGDTTR

ClinVar aggregate classification (germline): Likely benign (1 of 4 stars; one submission).

gnomAD v4.1: 648 of 1,424,366 alleles (0.045%); highest among the groups gnomAD compares: African/African-American, 0.98%; 93 homozygotes.

Submission:

CeGaT Center for Human Genetics Tuebingen
Classification: Likely benign. Last evaluated: 2025-10-01. Review status: criteria provided, single submitter. Criteria: CeGaT Center For Human Genetics Tuebingen Variant Classification Criteria Version 2. Collection method: clinical testing. Allele origin: germline. Affected: yes. Observed: 1 variant allele.
Comment: MUC4: BP4, BS2